The following is an entry in ClinVar:

NM_022124.6(CDH23):c.8317G>A (p.Glu2773Lys)

Gene: CDH23 (cadherin related 23; plus strand). Cytogenetic location: 10q22.1.
Variant type: single nucleotide variant.
Coding change: c.8317G>A on transcript NM_022124.6 (MANE Select); coding-DNA position 8317, G replaced by A.
Protein change: p.Glu2773Lys; replaces glutamic acid 2773 with lysine.
Molecular consequence: missense variant.
Genome position (GRCh38, 1-based): chr10:71,807,524, G>A. VCF-style: chr10-71807524-G-A. GRCh37 (hg19) VCF-style: chr10-73567281-G-A.
Other names: c.1597G>A, p.Glu533Lys (NM_001171933.1, NM_001171934.1); short protein forms E2773K, E533K.
Identifiers: ClinVar variation 990951 (VCV000990951.5), dbSNP rs765697060, ClinGen allele CA5546624.

ClinVar aggregate classification (germline): Uncertain significance. Review status: criteria provided, single submitter (1 of 4 stars). 2 submissions from 2 submitters: Uncertain significance (1). 1 of the submissions does not count toward it. Last evaluated 2022-08-31.

Conditions:
Usher syndrome type 1 (USH1). Also called: RETINITIS PIGMENTOSA AND CONGENITAL DEAFNESS. Identifiers: Orphanet 231169, Orphanet 886, MedGen C1568247, MONDO:0010168, OMIM 276900.

Allele frequency attached by ClinVar (database versions not stated): gnomAD exomes 0.00001 and below 0.00001; TOPMed below 0.00001; gnomAD 0.00001; ExAC 0.00001.
gnomAD v4.1: 10 of 1,613,676 alleles (0.00062%); highest among the groups gnomAD compares: Admixed American, 0.0017%; no homozygotes.

Submissions (2):

Labcorp Genetics (formerly Invitae), Labcorp
Classification: Uncertain significance. Last evaluated: 2022-08-31. Review status: criteria provided, single submitter. Criteria: Invitae Variant Classification Sherloc (09022015). Collection method: clinical testing. Allele origin: germline.
Comment: This sequence change replaces glutamic acid, which is acidic and polar, with lysine, which is basic and polar, at codon 2773 of the CDH23 protein (p.Glu2773Lys). This variant is present in population databases (rs765697060, gnomAD 0.0009%). This variant has not been reported in the literature in individuals affected with CDH23-related conditions. ClinVar contains an entry for this variant (Variation ID: 990951). Algorithms developed to predict the effect of missense changes on protein structure and function are either unavailable or do not agree on the potential impact of this missense change (SIFT: "Tolerated"; PolyPhen-2: "Not Available"; Align-GVGD: "Class C0"). Algorithms developed to predict the effect of sequence changes on RNA splicing suggest that this variant may create or strengthen a splice site. In summary, the available evidence is currently insufficient to determine the role of this variant in disease. Therefore, it has been classified as a Variant of Uncertain Significance.

Natera, Inc.
Classification: Uncertain significance for Usher syndrome type 1. Last evaluated: 2020-04-17. Review status: no assertion criteria provided. Collection method: clinical testing. Allele origin: germline. Not counted in ClinVar's aggregate classification.